The following is an entry in ClinVar:

ClinVar aggregate classification (germline): Uncertain significance. Review status: criteria provided, multiple submitters, no conflicts (2 of 4 stars). 3 submissions from 3 submitters: Uncertain significance (3). Last evaluated 2023-07-18.

Conditions:
Cardiovascular phenotype. Identifiers: MedGen CN230736.
Duchenne muscular dystrophy (DMD). Also called: MUSCULAR DYSTROPHY, PSEUDOHYPERTROPHIC PROGRESSIVE, DUCHENNE TYPE; Duchenne Muscular Dystrophy (DMD). Identifiers: Orphanet 98896, MedGen C0013264, MONDO:0010679, OMIM 310200.

gnomAD v4.1: 2 of 1,211,137 alleles (0.00017%); highest among the groups gnomAD compares: African/African-American, 0.0035%; no homozygotes.

Submissions (3):

GeneDx
Classification: Uncertain significance. Last evaluated: 2023-07-18. Review status: criteria provided, single submitter. Criteria: GeneDx Variant Classification Process June 2021. Collection method: clinical testing. Allele origin: germline. Affected: yes.
Comment: Has not been previously published as pathogenic or benign to our knowledge; Not observed at significant frequency in large population cohorts (gnomAD); In silico analysis supports that this missense variant does not alter protein structure/function

Ambry Genetics
Classification: Uncertain significance for Cardiovascular phenotype. Last evaluated: 2021-09-23. Review status: criteria provided, single submitter. Criteria: Ambry Variant Classification Scheme 2023. Collection method: clinical testing. Allele origin: germline.
Comment: The p.L2981I variant (also known as c.8941C>A), located in coding exon 60 of the DMD gene, results from a C to A substitution at nucleotide position 8941. The leucine at codon 2981 is replaced by isoleucine, an amino acid with highly similar properties. This amino acid position is well conserved in available vertebrate species. In addition, this alteration is predicted to be tolerated by in silico analysis. Since supporting evidence is limited at this time, the clinical significance of this alteration remains unclear.

Labcorp Genetics (formerly Invitae), Labcorp
Classification: Uncertain significance for Duchenne muscular dystrophy. Last evaluated: 2021-07-04. Review status: criteria provided, single submitter. Criteria: Invitae Variant Classification Sherloc (09022015). Collection method: clinical testing. Allele origin: germline.
Comment: This sequence change replaces leucine with isoleucine at codon 2981 of the DMD protein (p.Leu2981Ile). The leucine residue is highly conserved and there is a small physicochemical difference between leucine and isoleucine. This variant is not present in population databases (ExAC no frequency). This variant has not been reported in the literature in individuals with DMD-related conditions. Algorithms developed to predict the effect of missense changes on protein structure and function are either unavailable or do not agree on the potential impact of this missense change (SIFT: "Tolerated"; PolyPhen-2: "Possibly Damaging"; Align-GVGD: "Class C0"). In summary, the available evidence is currently insufficient to determine the role of this variant in disease. Therefore, it has been classified as a Variant of Uncertain Significance.

NM_004006.3(DMD):c.8941C>A (p.Leu2981Ile)

Gene: DMD (dystrophin; minus strand). Cytogenetic location: Xp21.2.
Variant type: single nucleotide variant.
Coding change: c.8941C>A on transcript NM_004006.3 (MANE Select); coding-DNA position 8941, C replaced by A.
Protein change: p.Leu2981Ile; replaces leucine 2981 with isoleucine.
Molecular consequence: missense variant.
Genome position (GRCh38, 1-based): chrX:31,444,624, G>T on the plus strand (C>A on the coding strand, the complement: DMD is on the minus strand). VCF-style: chrX-31444624-G-T. GRCh37 (hg19) VCF-style: chrX-31462741-G-T.
Other names: c.8917C>A, p.Leu2973Ile (NM_000109.4); c.8929C>A, p.Leu2977Ile (NM_004009.3); c.8572C>A, p.Leu2858Ile (NM_004010.3); c.4918C>A, p.Leu1640Ile (NM_004011.4); c.4909C>A, p.Leu1637Ile (NM_004012.4); c.1561C>A, p.Leu521Ile (NM_004013.3, NM_004020.4, NM_004021.3 and 2 more transcripts); c.754C>A, p.Leu252Ile (NM_004014.3); short protein forms L1637I, L2977I, L2981I, L252I, L521I, L1640I, L2858I, L2973I.
Identifiers: ClinVar variation 1513777 (VCV001513777.11), dbSNP rs2149076096, ClinGen allele CA412655330.